The following is an entry in ClinVar:

NM_001330360.2(POLA1):c.520A>G (p.Thr174Ala)

Gene: POLA1 (DNA polymerase alpha 1, catalytic subunit; plus strand). Cytogenetic location: Xp22.11.
Variant type: single nucleotide variant.
Coding change: c.520A>G on transcript NM_001330360.2 (MANE Select); coding-DNA position 520, A replaced by G.
Protein change: p.Thr174Ala; replaces threonine 174 with alanine.
Molecular consequence: missense variant. On other transcripts: non-coding transcript variant (2).
Genome position (GRCh38, 1-based): chrX:24,715,198, A>G. VCF-style: chrX-24715198-A-G. GRCh37 (hg19) VCF-style: chrX-24733315-A-G.
Other names: c.520A>G, p.Thr174Ala (NM_001378303.1); c.502A>G, p.Thr168Ala (NM_016937.4); c.502A>G (NM_016937.3); short protein forms T168A, T174A.
Identifiers: ClinVar variation 1358920 (VCV001358920.11), dbSNP rs779569608, ClinGen allele CA10372794.

ClinVar aggregate classification (germline): Conflicting classifications of pathogenicity. Review status: criteria provided, conflicting classifications (1 of 4 stars). 3 submissions from 3 submitters: Uncertain significance (1); Benign (1); Likely benign (1). Last evaluated 2025-04-21.

Conditions:
Inborn genetic diseases. Identifiers: MedGen C0950123, MeSH D030342.

Allele frequency attached by ClinVar (database versions not stated): gnomAD exomes 0.00001 and 0.00003; ExAC 0.00003.
gnomAD v4.1: 12 of 1,124,091 alleles (0.0011%); highest among the groups gnomAD compares: Admixed American, 0.0022%; no homozygotes.

Submissions (3):

Women's Health and Genetics/Laboratory Corporation of America, LabCorp
Classification: Uncertain significance. Last evaluated: 2025-04-21. Review status: criteria provided, single submitter. Criteria: LabCorp Variant Classification Summary - May 2015. Collection method: clinical testing. Allele origin: germline.
Comment: Variant summary: POLA1 c.502A>G (p.Thr168Ala) results in a non-conservative amino acid change in the encoded protein sequence. Three of five in-silico tools predict a benign effect of the variant on protein function. The variant allele was found at a frequency of 3.3e-05 in 181244 control chromosomes. The available data on variant occurrences in the general population are insufficient to allow any conclusion about variant significance. To our knowledge, no occurrence of c.502A>G in individuals affected with X-linked reticulate pigmentary disorder and no experimental evidence demonstrating its impact on protein function have been reported. ClinVar contains an entry for this variant (Variation ID: 1358920). Based on the evidence outlined above, the variant was classified as uncertain significance.

Labcorp Genetics (formerly Invitae), Labcorp
Classification: Benign. Last evaluated: 2024-10-16. Review status: criteria provided, single submitter. Criteria: Invitae Variant Classification Sherloc (09022015). Collection method: clinical testing. Allele origin: germline.

Ambry Genetics
Classification: Likely benign for Inborn genetic diseases. Last evaluated: 2024-05-07. Review status: criteria provided, single submitter. Criteria: Ambry Variant Classification Scheme 2023. Collection method: clinical testing. Allele origin: germline.